The following is an entry in ClinVar:

ClinVar aggregate classification (germline): Uncertain significance. Review status: criteria provided, multiple submitters, no conflicts (2 of 4 stars). 3 submissions from 3 submitters: Uncertain significance (3). Last evaluated 2025-01-30.

Conditions:
Hereditary cancer-predisposing syndrome. Also called: Tumor predisposition; Neoplastic Syndromes, Hereditary; Hereditary Cancer Syndrome; Hereditary neoplastic syndrome. Identifiers: Orphanet 140162, MedGen C0027672, MeSH D009386, MONDO:0015356.
Neuroblastoma, susceptibility to, 3. Also called: ALK-Related Neuroblastic Tumor Susceptibility. Identifiers: Orphanet 635, MedGen C2751681, MONDO:0013083, OMIM 613014.

Allele frequency attached by ClinVar (database versions not stated): gnomAD exomes below 0.00001.
gnomAD v4.1: 1 of 1,613,412 alleles (0.000062%); highest among the groups gnomAD compares: Non-Finnish European, 0.000085%; no homozygotes.

Submissions (3):

Ambry Genetics
Classification: Uncertain significance for Hereditary cancer-predisposing syndrome. Last evaluated: 2025-01-30. Review status: criteria provided, single submitter. Criteria: Ambry Variant Classification Scheme 2023. Collection method: clinical testing. Allele origin: germline.
Comment: The p.A1046V variant (also known as c.3137C>T), located in coding exon 19 of the ALK gene, results from a C to T substitution at nucleotide position 3137. The alanine at codon 1046 is replaced by valine, an amino acid with similar properties. This amino acid position is highly conserved in available vertebrate species. In addition, the in silico prediction for this alteration is inconclusive. Based on the available evidence, the clinical significance of this variant remains unclear.

Labcorp Genetics (formerly Invitae), Labcorp
Classification: Uncertain significance for Neuroblastoma, susceptibility to, 3. Last evaluated: 2024-04-04. Review status: criteria provided, single submitter. Criteria: Invitae Variant Classification Sherloc (09022015). Collection method: clinical testing. Allele origin: germline.
Comment: This sequence change replaces alanine, which is neutral and non-polar, with valine, which is neutral and non-polar, at codon 1046 of the ALK protein (p.Ala1046Val). The frequency data for this variant in the population databases is considered unreliable, as metrics indicate poor data quality at this position in the gnomAD database. This variant has not been reported in the literature in individuals affected with ALK-related conditions. ClinVar contains an entry for this variant (Variation ID: 2662004). An algorithm developed to predict the effect of missense changes on protein structure and function (PolyPhen-2) suggests that this variant is likely to be disruptive. In summary, the available evidence is currently insufficient to determine the role of this variant in disease. Therefore, it has been classified as a Variant of Uncertain Significance.

GeneDx
Classification: Uncertain significance. Last evaluated: 2023-04-04. Review status: criteria provided, single submitter. Criteria: GeneDx Variant Classification Process June 2021. Collection method: clinical testing. Allele origin: germline. Affected: yes.
Comment: Not observed at significant frequency in large population cohorts (gnomAD); In silico analysis supports that this missense variant does not alter protein structure/function; Has not been previously published as pathogenic or benign to our knowledge

NM_004304.5(ALK):c.3137C>T (p.Ala1046Val)

Gene: ALK (ALK receptor tyrosine kinase; minus strand). Cytogenetic location: 2p23.2.
Variant type: single nucleotide variant.
Coding change: c.3137C>T on transcript NM_004304.5 (MANE Select); coding-DNA position 3137, C replaced by T.
Protein change: p.Ala1046Val; replaces alanine 1046 with valine.
Molecular consequence: missense variant.
Genome position (GRCh38, 1-based): chr2:29,225,496, G>A on the plus strand (C>T on the coding strand, the complement: ALK is on the minus strand). VCF-style: chr2-29225496-G-A. GRCh37 (hg19) VCF-style: chr2-29448362-G-A.
Other names: short protein forms A1046V.
Identifiers: ClinVar variation 2662004 (VCV002662004.4), dbSNP rs1219554154, ClinGen allele CA346466845.
Genomic context (GRCh38, chr2:29,225,496, plus strand): 5'-AGTCCCTGGGGCTCTGTGCACTCACCAATCATGATGCCGGAGAAAGCCAGGACCAGGGCG[G>A]CCACGAGGGCAGAGGTCACCACAGAGAGGATCAGCGAGAGTGGCAGGTGTGGCTCCGGGG-3'
Protein context (NP_004295.2, residues 1036-1056): ILSVVTSALV[Ala1046Val]ALVLAFSGIM